The following is an entry in ClinVar:

NM_007373.4(SHOC2):c.377C>T (p.Thr126Ile)

Gene: SHOC2 (SHOC2 leucine rich repeat scaffold protein; plus strand). Cytogenetic location: 10q25.2.
Variant type: single nucleotide variant.
Coding change: c.377C>T on transcript NM_007373.4 (MANE Select); coding-DNA position 377, C replaced by T.
Protein change: p.Thr126Ile; replaces threonine 126 with isoleucine.
Molecular consequence: missense variant.
Genome position (GRCh38, 1-based): chr10:110,964,735, C>T. VCF-style: chr10-110964735-C-T. GRCh37 (hg19) VCF-style: chr10-112724493-C-T.
Other names: NM_007373.3(SHOC2):c.377C>T; c.377C>T, p.Thr126Ile (NM_001269039.3, NM_001324336.2, NM_001324337.2); short protein forms T126I.
Identifiers: ClinVar variation 448932 (VCV000448932.14), dbSNP rs138375593, ClinGen allele CA5689584.

ClinVar aggregate classification (germline): Likely benign. Review status: reviewed by expert panel (3 of 4 stars). 4 submissions from 4 submitters: Likely benign (1). 3 of the submissions do not count toward it. Last evaluated 2017-04-18.

Conditions:
Cardiovascular phenotype. Identifiers: MedGen CN230736.
RASopathy. Also called: rasopathies; Noonan spectrum disorder. Identifiers: Orphanet 536391, MedGen C5555857, MONDO:0021060.

Allele frequency attached by ClinVar (database versions not stated): gnomAD exomes 0.00005; ExAC 0.00007; gnomAD 0.00010 and 0.00011; TOPMed 0.00010; ESP Exome Variant Server 0.00015.
gnomAD v4.1: 28 of 1,613,964 alleles (0.0017%); highest among the groups gnomAD compares: African/African-American, 0.035%; no homozygotes.

Submissions (4):

ClinGen RASopathy Variant Curation Expert Panel
Classification: Likely benign for Noonan syndrome and Noonan-related syndrome. Last evaluated: 2017-04-18. Review status: reviewed by expert panel. Criteria: ClinGen RASopathy ACMG Specifications v1. Collection method: curation. Allele origin: germline. Inheritance: Autosomal dominant inheritance.
Comment: The filtering allele frequency of the c.377C>T (p.Thr126Ile) variant in the SHOC2 gene is 0.0384% (8/10346) of African chromosomes by the Exome Aggregation Consortium, which is a high enough frequency to be classified as likely benign based on thresholds defined by the ClinGen RASopathy Expert Panel (BS1; PMID:29493581)

Labcorp Genetics (formerly Invitae), Labcorp
Classification: Likely benign for RASopathy. Last evaluated: 2026-02-03. Review status: criteria provided, single submitter. Criteria: Invitae Variant Classification Sherloc (09022015). Collection method: clinical testing. Allele origin: germline. Not counted in ClinVar's aggregate classification.

Women's Health and Genetics/Laboratory Corporation of America, LabCorp
Classification: Likely benign. Last evaluated: 2023-10-19. Review status: criteria provided, single submitter. Criteria: LabCorp Variant Classification Summary - May 2015. Collection method: clinical testing. Allele origin: germline. Not counted in ClinVar's aggregate classification.
Comment: Variant summary: SHOC2 c.377C>T (p.Thr126Ile) results in a non-conservative amino acid change located in the Leucine-rich repeat (IPR001611) of the encoded protein sequence. Three of five in-silico tools predict a damaging effect of the variant on protein function. The variant allele was found at a frequency of 4.8e-05 in 250972 control chromosomes, predominantly at a frequency of 0.00068 within the African or African-American subpopulation in the gnomAD database. The observed variant frequency within African or African-American control individuals in the gnomAD database is approximately 27 fold of the estimated maximal expected allele frequency for a pathogenic variant in SHOC2 causing Noonan Syndrome With Loose Anagen Hair phenotype (2.5e-05), strongly suggesting that the variant is a benign polymorphism found primarily in populations of African or African-American origin. To our knowledge, no occurrence of c.377C>T in individuals affected with Noonan Syndrome With Loose Anagen Hair and no experimental evidence demonstrating its impact on protein function have been reported. Three submitters have cited clinical-significance assessments for this variant to ClinVar after 2014. All submitters to include the ClinGen RASopathy Variant Curation Expert Panel, classified the variant as likely benign. Based on the evidence outlined above, the variant was classified as likely benign.

Ambry Genetics
Classification: Likely benign for Cardiovascular phenotype. Last evaluated: 2021-09-21. Review status: criteria provided, single submitter. Criteria: Ambry Variant Classification Scheme 2023. Collection method: clinical testing. Allele origin: germline. Not counted in ClinVar's aggregate classification.